The following is an entry in ClinVar:

NM_001163435.3(TBCK):c.2104T>C (p.Cys702Arg)

Gene: TBCK (TBC1 domain containing kinase; minus strand). Cytogenetic location: 4q24.
Variant type: single nucleotide variant.
Coding change: c.2104T>C on transcript NM_001163435.3 (MANE Select); coding-DNA position 2104, T replaced by C.
Protein change: p.Cys702Arg; replaces cysteine 702 with arginine.
Molecular consequence: missense variant.
Genome position (GRCh38, 1-based): chr4:106,171,226, A>G on the plus strand (T>C on the coding strand, the complement: TBCK is on the minus strand). VCF-style: chr4-106171226-A-G. GRCh37 (hg19) VCF-style: chr4-107092383-A-G.
Other names: c.2104T>C, p.Cys702Arg (NM_001163436.4); c.1987T>C, p.Cys663Arg (NM_001163437.3); c.1588T>C, p.Cys530Arg (NM_001290768.2); c.1915T>C, p.Cys639Arg (NM_033115.5); c.2104T>C (NM_001163435.1); short protein forms C530R, C702R, C639R, C663R.
Identifiers: ClinVar variation 2179266 (VCV002179266.3), dbSNP rs527475710, ClinGen allele CA3034799.
Genomic context (GRCh38, chr4:106,171,226, plus strand): 5'-CAGAAGATGGCTTTGGAGGTTGAGCATGCTGTCTGTAAGTAGCACTTTTAGGAGTCCAAC[A>G]AAACAGGTTGATAGATTCTCTCACACAGCGTTCAATGTCAATTTCTAGATAGAAATGTTT-3'
Protein context (NP_001156907.2, residues 692-712): RCVRESINLF[Cys702Arg]WTPKSATYRQ

ClinVar aggregate classification (germline): Uncertain significance. Review status: criteria provided, multiple submitters, no conflicts (2 of 4 stars). 2 submissions from 2 submitters: Uncertain significance (2). Last evaluated 2023-05-24.

Conditions:
Inborn genetic diseases. Identifiers: MedGen C0950123, MeSH D030342.

Allele frequency attached by ClinVar (database versions not stated): gnomAD 0.00001; TOPMed 0.00003.
gnomAD v4.1: 18 of 1,612,008 alleles (0.0011%); highest among the groups gnomAD compares: Non-Finnish European, 0.0014%; no homozygotes.

Submissions (2):

Ambry Genetics
Classification: Uncertain significance for Inborn genetic diseases. Last evaluated: 2023-05-24. Review status: criteria provided, single submitter. Criteria: Ambry Variant Classification Scheme 2023. Collection method: clinical testing. Allele origin: germline.

Labcorp Genetics (formerly Invitae), Labcorp
Classification: Uncertain significance. Last evaluated: 2022-10-25. Review status: criteria provided, single submitter. Criteria: Invitae Variant Classification Sherloc (09022015). Collection method: clinical testing. Allele origin: germline.
Comment: This sequence change replaces cysteine, which is neutral and slightly polar, with arginine, which is basic and polar, at codon 702 of the TBCK protein (p.Cys702Arg). This variant is present in population databases (rs527475710, gnomAD 0.004%). This variant has not been reported in the literature in individuals affected with TBCK-related conditions. Advanced modeling of protein sequence and biophysical properties (such as structural, functional, and spatial information, amino acid conservation, physicochemical variation, residue mobility, and thermodynamic stability) performed at Invitae indicates that this missense variant is not expected to disrupt TBCK protein function. In summary, the available evidence is currently insufficient to determine the role of this variant in disease. Therefore, it has been classified as a Variant of Uncertain Significance.